The following is an entry in ClinVar:

ClinVar aggregate classification (germline): Uncertain significance (1 of 4 stars; one submission).

Submission:

Dasa
Classification: Uncertain significance. Last evaluated: 2025-06-28. Review status: criteria provided, single submitter. Criteria: DASA Assertion Criteria. Collection method: clinical testing. Allele origin: germline.
Comment: NM_173630.4(RTTN):c.6576del (p.Tyr2193Thrfs*3) is a frameshift variant in RTTN predicted to alter the reading frame and introduce a premature termination codon and is predicted to result in an absent or altered protein product. This variant is absent from population databases. The currently available literature and clinical evidence are not sufficient to establish a definitive association between this variant and the reported condition. Therefore, this variant is classified as a variant of uncertain significance.

NM_173630.4(RTTN):c.6576del (p.Tyr2193fs)

Gene: RTTN (rotatin; minus strand). Cytogenetic location: 18q22.2.
Variant type: Deletion.
Coding change: c.6576del on transcript NM_173630.4 (MANE Select); coding-DNA position 6576, one base deleted (A; older notation c.6576delA).
Protein change: p.Tyr2193fs; shifts the reading frame from tyrosine 2193.
Molecular consequence: frameshift variant.
Genome position (GRCh38, 1-based): chr18:70,005,217, T deleted on the plus strand (A on the coding strand, the reverse complement: RTTN is on the minus strand). VCF-style (leftmost placement, unchanged base first): chr18-70005216-AT-A. GRCh37 (hg19) VCF-style: chr18-67672452-AT-A.
Other names: c.3840del, p.Tyr1281fs (NM_001318520.2); short protein forms Y1281fs, Y2193fs.
Identifiers: ClinVar variation 4886292 (VCV004886292.2).
Genomic context (GRCh38, chr18:70,005,216, plus strand): 5'-GCTTCTGAGTTTAACTATAATCTCTTTCTTATTGCAACTTACTTTTCTTTGCTAAGGAGT[AT>A]GCTTCATCCACTCTTCTTTTTACTGATGGGCTTTTCAAAGCTGTTTTTGCCTAGAACAAT-3'